The following is an entry in ClinVar:

ClinVar aggregate classification (germline): Uncertain significance. Review status: criteria provided, multiple submitters, no conflicts (2 of 4 stars). 2 submissions from 2 submitters: Uncertain significance (2). Last evaluated 2025-05-07.

Conditions:
Inborn genetic diseases. Identifiers: MedGen C0950123, MeSH D030342.
Myopathy, centronuclear, 5 (CNM5). Identifiers: Orphanet 169186, MedGen C4014814, MONDO:0014418, OMIM 615959.

gnomAD v4.1: 5 of 1,613,978 alleles (0.00031%); highest among the groups gnomAD compares: South Asian, 0.0044%; no homozygotes.

Submissions (2):

Ambry Genetics
Classification: Uncertain significance for Inborn genetic diseases. Last evaluated: 2025-05-07. Review status: criteria provided, single submitter. Criteria: Ambry Variant Classification Scheme 2023. Collection method: clinical testing. Allele origin: germline.

Neuberg Centre For Genomic Medicine, NCGM
Classification: Uncertain significance for Myopathy, centronuclear, 5. Review status: criteria provided, single submitter. Criteria: ACMG Guidelines, 2015. Collection method: clinical testing. Allele origin: germline. Affected: yes.
Comment: The observed missense variant c.8290G>Cp.Glu2764Gln in the SPEG gene has not been reported previously as a pathogenic variant nor as a benign variant, to our knowledge. This variant is reported with the allele frequency 0.001% in the gnomAD Exomes. The amino acid Glu at position 2764 is changed to a Gln changing protein sequence and it might alter its composition and physico-chemical properties. Multiple lines of computational evidence Polyphen - Benign, SIFT - Tolerated and MutationTaster - Polymorphism predict no damaging effect on protein structure and function for this variant. The residue is conserved by GERP++ and PhyloP across 100 vertebrates. For these reasons, this variant has been classified as Uncertain Significance.

NM_005876.5(SPEG):c.8290G>C (p.Glu2764Gln)

Genes: ASIC4-AS1 (ASIC4 antisense RNA 1; minus strand), SPEG (striated muscle enriched protein kinase; plus strand). Cytogenetic location: 2q35.
Variant type: single nucleotide variant.
Coding change: c.8290G>C on transcript NM_005876.5 (MANE Select); coding-DNA position 8290, G replaced by C.
Protein change: p.Glu2764Gln; replaces glutamic acid 2764 with glutamine.
Molecular consequence: missense variant.
Genome position (GRCh38, 1-based): chr2:219,489,194, G>C. VCF-style: chr2-219489194-G-C. GRCh37 (hg19) VCF-style: chr2-220353916-G-C.
Other names: c.8290G>C (NM_005876.4); short protein forms E2764Q.
Identifiers: ClinVar variation 3391321 (VCV003391321.2).